The following is an entry in ClinVar:

NM_213655.5(WNK1):c.2798A>T (p.Glu933Val)

Gene: WNK1 (WNK lysine deficient protein kinase 1; plus strand). Cytogenetic location: 12p13.33.
Variant type: single nucleotide variant.
Coding change: c.2798A>T on transcript NM_213655.5 (MANE Plus Clinical); coding-DNA position 2798, A replaced by T.
Protein change: p.Glu933Val; replaces glutamic acid 933 with valine.
Molecular consequence: missense variant. On other transcripts: intron variant (2).
Genome position (GRCh38, 1-based): chr12:868,269, A>T. VCF-style: chr12-868269-A-T. GRCh37 (hg19) VCF-style: chr12-977435-A-T.
Other names: c.2543A>T, p.Glu848Val (NM_001184985.2); c.2140-2996A>T (NM_018979.4, NM_014823.3); short protein forms E933V, E848V.
Identifiers: ClinVar variation 4789465 (VCV004789465.1).

ClinVar aggregate classification (germline): Uncertain significance (1 of 4 stars; one submission).

Conditions:
Neuropathy, hereditary sensory and autonomic, type 2A (HSAN2A). Also called: WNK1-Related HSAN2 (HSAN2A); ACROOSTEOLYSIS, GIACCAI TYPE; ACROOSTEOLYSIS, NEUROGENIC; MORVAN DISEASE; NEUROPATHY, CONGENITAL SENSORY; NEUROPATHY, HEREDITARY SENSORY RADICULAR, AUTOSOMAL RECESSIVE. Identifiers: Orphanet 970, MedGen C2752089, MONDO:0024309, OMIM 201300.
Pseudohypoaldosteronism type 2C (PHA2C). Also called: Pseudohypoaldosteronism Type IIC. Identifiers: Orphanet 757, Orphanet 88940, MedGen C1840391, MONDO:0013778, OMIM 614492.

Submission:

Labcorp Genetics (formerly Invitae), Labcorp
Classification: Uncertain significance for Neuropathy, hereditary sensory and autonomic, type 2A; Pseudohypoaldosteronism type 2C. Last evaluated: 2025-02-18. Review status: criteria provided, single submitter. Criteria: Invitae Variant Classification Sherloc (09022015). Collection method: clinical testing. Allele origin: germline.
Comment: This sequence change replaces glutamic acid, which is acidic and polar, with valine, which is neutral and non-polar, at codon 933 of the WNK1 protein (p.Glu933Val). This variant is not present in population databases (gnomAD no frequency). This variant has not been reported in the literature in individuals affected with WNK1-related conditions. Invitae Evidence Modeling of protein sequence and biophysical properties (such as structural, functional, and spatial information, amino acid conservation, physicochemical variation, residue mobility, and thermodynamic stability) indicates that this missense variant is not expected to disrupt WNK1 protein function with a negative predictive value of 95%. In summary, the available evidence is currently insufficient to determine the role of this variant in disease. Therefore, it has been classified as a Variant of Uncertain Significance.